The following is an entry in ClinVar:

ClinVar aggregate classification (germline): Uncertain significance. Review status: criteria provided, multiple submitters, no conflicts (2 of 4 stars). 2 submissions from 2 submitters: Uncertain significance (2). Last evaluated 2026-02-09.

Conditions:
Hereditary cancer-predisposing syndrome. Also called: Hereditary neoplastic syndrome; Neoplastic Syndromes, Hereditary; Tumor predisposition; Hereditary Cancer Syndrome. Identifiers: Orphanet 140162, MedGen C0027672, MeSH D009386, MONDO:0015356.

gnomAD v4.1: 1 of 1,614,156 alleles (0.000062%); highest among the groups gnomAD compares: Non-Finnish European, 0.000085%; no homozygotes.

Submissions (2):

Ambry Genetics
Classification: Uncertain significance for Hereditary cancer-predisposing syndrome. Last evaluated: 2026-02-09. Review status: criteria provided, single submitter. Criteria: Ambry Variant Classification Scheme 2023. Collection method: clinical testing. Allele origin: germline.
Comment: The p.R579S variant (also known as c.1735C>A), located in coding exon 16 of the POLE gene, results from a C to A substitution at nucleotide position 1735. The arginine at codon 579 is replaced by serine, an amino acid with dissimilar properties. This amino acid position is not well conserved in available vertebrate species. In addition, this alteration is predicted to be tolerated by in silico analysis. Based on the available evidence, the clinical significance of this variant remains unclear.

Labcorp Genetics (formerly Invitae), Labcorp
Classification: Uncertain significance. Last evaluated: 2025-03-29. Review status: criteria provided, single submitter. Criteria: Invitae Variant Classification Sherloc (09022015). Collection method: clinical testing. Allele origin: germline.
Comment: This sequence change replaces arginine, which is basic and polar, with serine, which is neutral and polar, at codon 579 of the POLE protein (p.Arg579Ser). This variant is not present in population databases (gnomAD no frequency). This variant has not been reported in the literature in individuals affected with POLE-related conditions. ClinVar contains an entry for this variant (Variation ID: 2172880). Invitae Evidence Modeling of protein sequence and biophysical properties (such as structural, functional, and spatial information, amino acid conservation, physicochemical variation, residue mobility, and thermodynamic stability) indicates that this missense variant is not expected to disrupt POLE protein function with a negative predictive value of 80%. In summary, the available evidence is currently insufficient to determine the role of this variant in disease. Therefore, it has been classified as a Variant of Uncertain Significance.

NM_006231.4(POLE):c.1735C>A (p.Arg579Ser)

Gene: POLE (DNA polymerase epsilon, catalytic subunit; minus strand). Cytogenetic location: 12q24.33.
Variant type: single nucleotide variant.
Coding change: c.1735C>A on transcript NM_006231.4 (MANE Select); coding-DNA position 1735, C replaced by A.
Protein change: p.Arg579Ser; replaces arginine 579 with serine.
Molecular consequence: missense variant.
Genome position (GRCh38, 1-based): chr12:132,672,274, G>T on the plus strand (C>A on the coding strand, the complement: POLE is on the minus strand). VCF-style: chr12-132672274-G-T. GRCh37 (hg19) VCF-style: chr12-133248860-G-T.
Other names: c.1735C>A (NM_006231.2); short protein forms R579S.
Identifiers: ClinVar variation 2172880 (VCV002172880.5), dbSNP rs116260568, ClinGen allele CA387356329.
Genomic context (GRCh38, chr12:132,672,274, plus strand): 5'-CCTCTTCAAAGTTGGTGACTTGCTCCACAGGCACTTTCTCCTCTTCCTCAAGGGCGTGGC[G>T]CAAGGTCTTCTCAACCCGCTGCAGCAGGAAGTCAAAGGCGGCAGGATTCTAGCACAACAG-3'
Protein context (NP_006222.2, residues 569-589): FLLQRVEKTL[Arg579Ser]HALEEEEKVP